The following is an entry in ClinVar:

ClinVar aggregate classification (germline): Uncertain significance (1 of 4 stars; one submission).

Conditions:
Renal coloboma syndrome (PAPRS). Also called: CONGENITAL ANOMALIES OF THE KIDNEY AND URINARY TRACT WITH OR WITHOUT OCULAR ABNORMALITIES; CAKUT WITH OR WITHOUT OCULAR ABNORMALITIES; PAPILLORENAL SYNDROME WITH MILD OCULAR ABNORMALITIES; COLOBOMA OF OPTIC NERVE WITH RENAL DISEASE; OPTIC COLOBOMA, VESICOURETERAL REFLUX, AND RENAL ANOMALIES; OPTIC NERVE COLOBOMA WITH RENAL DISEASE. Identifiers: Orphanet 1475, MedGen C1852759, MONDO:0007352, OMIM 120330.
Focal segmental glomerulosclerosis 7 (FSGS7). Identifiers: Orphanet 656, MedGen C4014925, MONDO:0014451, OMIM 616002.

Submission:

Labcorp Genetics (formerly Invitae), Labcorp
Classification: Uncertain significance for Renal coloboma syndrome; Focal segmental glomerulosclerosis 7. Last evaluated: 2021-02-28. Review status: criteria provided, single submitter. Criteria: Invitae Variant Classification Sherloc (09022015). Collection method: clinical testing. Allele origin: germline.
Comment: In summary, the available evidence is currently insufficient to determine the role of this variant in disease. Therefore, it has been classified as a Variant of Uncertain Significance. This variant disrupts the p.Ser61 amino acid residue in PAX2. Other variant(s) that disrupt this residue have been observed in individuals with PAX2-related conditions (PMID: 22213154, which suggests that this may be a clinically significant amino acid residue. Algorithms developed to predict the effect of missense changes on protein structure and function are either unavailable or do not agree on the potential impact of this missense change (SIFT: "Not Available"; PolyPhen-2: "Probably Damaging"; Align-GVGD: "Not Available"). This variant has been observed in individual(s) with renal coloboma syndrome (PMID: 22213154, Invitae). This variant is not present in population databases (ExAC no frequency). This sequence change replaces serine with asparagine at codon 61 of the PAX2 protein (p.Ser61Asn). The serine residue is highly conserved and there is a small physicochemical difference between serine and asparagine.

Literature cited by the submitters: PubMed 22213154; PubMed 2.

NM_000278.5(PAX2):c.182G>A (p.Ser61Asn)

Gene: PAX2 (paired box 2; plus strand). Cytogenetic location: 10q24.31.
Variant type: single nucleotide variant.
Coding change: c.182G>A on transcript NM_000278.5 (MANE Select); coding-DNA position 182, G replaced by A.
Protein change: p.Ser61Asn; replaces serine 61 with asparagine.
Molecular consequence: missense variant.
Genome position (GRCh38, 1-based): chr10:100,749,884, G>A. VCF-style: chr10-100749884-G-A. GRCh37 (hg19) VCF-style: chr10-102509641-G-A.
Other names: c.275G>A, p.Ser92Asn (NM_001304569.2); c.182G>A, p.Ser61Asn (NM_003987.5, NM_003988.5, NM_003989.5 and 1 more transcripts); short protein forms S92N, S61N.
Identifiers: ClinVar variation 1431795 (VCV001431795.6), dbSNP rs2133833987, ClinGen allele CA378257696.